The following is an entry in ClinVar:

NM_031475.3(ESPN):c.1681C>T (p.Arg561Cys)

Gene: ESPN (espin; plus strand). Cytogenetic location: 1p36.31.
Variant type: single nucleotide variant.
Coding change: c.1681C>T on transcript NM_031475.3 (MANE Select); coding-DNA position 1681, C replaced by T.
Protein change: p.Arg561Cys; replaces arginine 561 with cysteine.
Molecular consequence: missense variant. On other transcripts: intron variant (2).
Genome position (GRCh38, 1-based): chr1:6,448,857, C>T. VCF-style: chr1-6448857-C-T. GRCh37 (hg19) VCF-style: chr1-6508917-C-T.
Other names: c.1627-36C>T (NM_001367474.1, NM_001367473.1); short protein forms R561C.
Identifiers: ClinVar variation 1196872 (VCV001196872.10), dbSNP rs972673766, ClinGen allele CA17211764.

ClinVar aggregate classification (germline): Conflicting classifications of pathogenicity. Review status: criteria provided, conflicting classifications (1 of 4 stars). 5 submissions from 5 submitters: Uncertain significance (1); Benign (1); Likely benign (3). Last evaluated 2025-09-03.

Conditions:
Inborn genetic diseases. Identifiers: MedGen C0950123, MeSH D030342.
ESPN-related disorder. Also called: ESPN-related condition.

Allele frequency attached by ClinVar (database versions not stated): 1000 Genomes Project 30x 0.00062; gnomAD 0.00071 and 0.00080; TOPMed 0.00110.
gnomAD v4.1: 172 of 1,261,694 alleles (0.014%); highest among the groups gnomAD compares: African/African-American, 0.2%; no homozygotes.

Submissions (5):

Labcorp Genetics (formerly Invitae), Labcorp
Classification: Likely benign. Last evaluated: 2025-09-03. Review status: criteria provided, single submitter. Criteria: Invitae Variant Classification Sherloc (09022015). Collection method: clinical testing. Allele origin: germline.

PreventionGenetics, part of Exact Sciences
Classification: Likely benign for ESPN-related condition. Last evaluated: 2025-08-07. Review status: criteria provided, single submitter. Criteria: ACMG Guidelines, 2015. Collection method: clinical testing. Allele origin: germline.
Comment: This variant is classified as likely benign based on ACMG/AMP sequence variant interpretation guidelines (Richards et al. 2015 PMID: 25741868, with internal and published modifications).

Blueprint Genetics
Classification: Benign. Last evaluated: 2024-08-28. Review status: criteria provided, single submitter. Criteria: ACMG Guidelines, 2015. Collection method: clinical testing. Allele origin: germline.

Ambry Genetics
Classification: Uncertain significance for Inborn genetic diseases. Last evaluated: 2021-07-15. Review status: criteria provided, single submitter. Criteria: Ambry Variant Classification Scheme 2023. Collection method: clinical testing. Allele origin: germline.

GeneDx
Classification: Likely benign. Last evaluated: 2020-03-11. Review status: criteria provided, single submitter. Criteria: GeneDx Variant Classification Process June 2021. Collection method: clinical testing. Allele origin: germline. Affected: yes.